The following is an entry in ClinVar:

NM_001378609.3(OTOGL):c.2939del (p.Asp980fs)

Gene: OTOGL (otogelin like; plus strand). Cytogenetic location: 12q21.31.
Variant type: Deletion.
Coding change: c.2939del on transcript NM_001378609.3 (MANE Select); coding-DNA position 2939, one base deleted (A; older notation c.2939delA).
Protein change: p.Asp980fs; shifts the reading frame from aspartic acid 980.
Molecular consequence: frameshift variant. On other transcripts: intron variant (1).
Genome position (GRCh38, 1-based): chr12:80,296,837, A deleted. VCF-style (leftmost placement, unchanged base first): chr12-80296836-GA-G. GRCh37 (hg19) VCF-style: chr12-80690616-GA-G.
Other names: c.2939del, p.Asp980fs (NM_001378610.3, NM_173591.7); c.2929-5797del (NM_001368062.3); short protein forms D980fs.
Identifiers: ClinVar variation 2697187 (VCV002697187.5), dbSNP rs1439667525, ClinGen allele CA606195000.

ClinVar aggregate classification (germline): Pathogenic/Likely pathogenic. Review status: criteria provided, multiple submitters, no conflicts (2 of 4 stars). 2 submissions from 2 submitters: Pathogenic (1); Likely pathogenic (1). Last evaluated 2023-12-18.

Conditions:
Autosomal recessive nonsyndromic hearing loss 84B. Also called: Deafness, autosomal recessive 84b. Identifiers: Orphanet 90636, MedGen C3554159, MONDO:0013984, OMIM 614944.

Allele frequency attached by ClinVar (database versions not stated): gnomAD exomes below 0.00001; TOPMed below 0.00001; gnomAD 0.00001.

Submissions (2):

Labcorp Genetics (formerly Invitae), Labcorp
Classification: Pathogenic. Last evaluated: 2023-12-18. Review status: criteria provided, single submitter. Criteria: Invitae Variant Classification Sherloc (09022015). Collection method: clinical testing. Allele origin: germline.
Comment: This sequence change creates a premature translational stop signal (p.Asp971Valfs*25) in the OTOGL gene. It is expected to result in an absent or disrupted protein product. Loss-of-function variants in OTOGL are known to be pathogenic (PMID: 23122586). This variant is present in population databases (no rsID available, gnomAD 0.01%). This variant has not been reported in the literature in individuals affected with OTOGL-related conditions. For these reasons, this variant has been classified as Pathogenic.

Juno Genomics, Hangzhou Juno Genomics, Inc
Classification: Likely pathogenic for Autosomal recessive nonsyndromic hearing loss 84B. Review status: criteria provided, single submitter. Criteria: ACMG Guidelines, 2015. Collection method: clinical testing. Allele origin: germline.
Comment: Absent from controls (or at extremely low frequency if recessive) in Genome Aggregation Database.;Null variant in a gene where loss of function (LOF) is a known mechanism of disease.

Literature cited by the submitters: PubMed 23122586 (cited by Labcorp Genetics (formerly Invitae), Labcorp).